The following is an entry in ClinVar:

NM_000609.7(CXCL12):c.*519G>A

Gene: CXCL12 (C-X-C motif chemokine ligand 12; minus strand). Cytogenetic location: 10q11.21.
Variant type: single nucleotide variant.
Coding change: c.*519G>A on transcript NM_000609.7; 519 bases downstream of the stop codon, G replaced by A.
Molecular consequence: 3 prime UTR variant.
Genome position (GRCh38, 1-based): chr10:44,372,809, C>T on the plus strand (G>A on the coding strand, the complement: CXCL12 is on the minus strand). VCF-style: chr10-44372809-C-T. GRCh37 (hg19) VCF-style: chr10-44868257-C-T.
Other names: c.*79G>A (NM_001277990.2).
Identifiers: ClinVar variation 1291069 (VCV001291069.5), dbSNP rs1801157, ClinGen allele CA15646964.

ClinVar aggregate classification (germline): Benign. Review status: criteria provided, multiple submitters, no conflicts (2 of 4 stars). 2 submissions from 2 submitters: Benign (2). Last evaluated 2018-11-12.

Allele frequency attached by ClinVar (database versions not stated): gnomAD 0.15745 and 0.16251; TOPMed 0.15654; 1000 Genomes Project 0.18550; 1000 Genomes Project 30x 0.18004.
gnomAD v4.1: 282,022 of 1,472,396 alleles (19%); highest among the groups gnomAD compares: East Asian, 30%; 28,295 homozygotes.

Submissions (2):

GeneDx
Classification: Benign. Last evaluated: 2018-11-12. Review status: criteria provided, single submitter. Criteria: GeneDx Variant Classification Process June 2021. Collection method: clinical testing. Allele origin: germline. Affected: yes.
Comment: This variant is associated with the following publications: (PMID: 23325742, 19601773, 16306115, 22962615, 24361877, 23615182, 18928397, 9430590, 27832196)

Breakthrough Genomics
Classification: Benign. Review status: criteria provided, single submitter. Criteria: ACMG Guidelines, 2015. Collection method: not provided. Allele origin: germline. Inheritance: Unknown mechanism. Affected: yes.